The following is an entry in ClinVar:

NM_002473.6(MYH9):c.5483+4C>T

Gene: MYH9 (myosin heavy chain 9; minus strand). Cytogenetic location: 22q12.3.
Variant type: single nucleotide variant.
Coding change: c.5483+4C>T on transcript NM_002473.6 (MANE Select); 4 bases into the intron after coding-DNA position 5483, C replaced by T.
Molecular consequence: intron variant.
Genome position (GRCh38, 1-based): chr22:36,285,117, G>A on the plus strand (C>T on the coding strand, the complement: MYH9 is on the minus strand). VCF-style: chr22-36285117-G-A. GRCh37 (hg19) VCF-style: chr22-36681163-G-A.
Other names: c.5483+4C>T (NM_002473.5).
Identifiers: ClinVar variation 667132 (VCV000667132.9), dbSNP rs56327920, ClinGen allele CA10209048.

ClinVar aggregate classification (germline): Conflicting classifications of pathogenicity. Review status: criteria provided, conflicting classifications (1 of 4 stars). 3 submissions from 3 submitters: Uncertain significance (1); Likely benign (1). 1 of the submissions does not count toward it. Last evaluated 2024-03-03.

Conditions:
MYH9-related disorder. Identifiers: MedGen C1854520.

Allele frequency attached by ClinVar (database versions not stated): TOPMed 0.00002.
gnomAD v4.1: 111 of 1,613,568 alleles (0.0069%); highest among the groups gnomAD compares: Middle Eastern, 0.017%; no homozygotes.

Submissions (3):

Labcorp Genetics (formerly Invitae), Labcorp
Classification: Uncertain significance. Last evaluated: 2024-03-03. Review status: criteria provided, single submitter. Criteria: Invitae Variant Classification Sherloc (09022015). Collection method: clinical testing. Allele origin: germline.
Comment: This sequence change falls in intron 38 of the MYH9 gene. It does not directly change the encoded amino acid sequence of the MYH9 protein. It affects a nucleotide within the consensus splice site. This variant is present in population databases (rs56327920, gnomAD 0.01%). This variant has not been reported in the literature in individuals affected with MYH9-related conditions. ClinVar contains an entry for this variant (Variation ID: 667132). Variants that disrupt the consensus splice site are a relatively common cause of aberrant splicing (PMID: 17576681, 9536098). Algorithms developed to predict the effect of sequence changes on RNA splicing suggest that this variant is not likely to affect RNA splicing. In summary, the available evidence is currently insufficient to determine the role of this variant in disease. Therefore, it has been classified as a Variant of Uncertain Significance.

Laboratory for Molecular Medicine, Mass General Brigham Personalized Medicine
Classification: Likely benign. Last evaluated: 2018-07-25. Review status: criteria provided, single submitter. Criteria: LMM Criteria. Collection method: clinical testing. Allele origin: germline. Observed: 1 variant allele.
Comment: The c.5483+4C>T variant in MYH9 is likely benign because it has been identified in 0.01% (13/125146) of European chromosomes, it is not predicted to impact spli cing, and the nucleotide at this position is not conserved. ACMG/AMP Criteria ap plied: BS1, BP4.

PreventionGenetics, part of Exact Sciences
Classification: Likely benign for MYH9-related condition. Last evaluated: 2021-06-30. Review status: no assertion criteria provided. Collection method: clinical testing. Allele origin: germline. Not counted in ClinVar's aggregate classification.
Comment: This variant is classified as likely benign based on ACMG/AMP sequence variant interpretation guidelines (Richards et al. 2015 PMID: 25741868, with internal and published modifications).

Literature cited by the submitters: PubMed 17576681 (cited by Labcorp Genetics (formerly Invitae), Labcorp); PubMed 9536098 (cited by Labcorp Genetics (formerly Invitae), Labcorp).